The following is an entry in ClinVar:

NM_000268.4(NF2):c.676-249G>A

Gene: NF2 (NF2, moesin-ezrin-radixin like (MERLIN) tumor suppressor; plus strand). Cytogenetic location: 22q12.2.
Variant type: single nucleotide variant.
Coding change: c.676-249G>A on transcript NM_000268.4 (MANE Select); 249 bases into the intron before coding-DNA position 676, G replaced by A.
Molecular consequence: intron variant.
Genome position (GRCh38, 1-based): chr22:29,660,956, G>A. VCF-style: chr22-29660956-G-A. GRCh37 (hg19) VCF-style: chr22-30056945-G-A.
Other names: NC_000022.10:g.30056945G>A; c.676-249G>A (NM_016418.5, NM_181832.3, NM_181825.3); c.447+18671G>A (NM_181833.3); c.553-249G>A (NM_181829.3); c.550-249G>A (NM_181828.3); c.427-249G>A (NM_181830.3, NM_181831.3).
Identifiers: ClinVar variation 676987 (VCV000676987.2), dbSNP rs2857640, ClinGen allele CA16000310.
Genomic context (GRCh38, chr22:29,660,956, plus strand): 5'-TGATAGCCTGCTTATTTAACCAGAGGGAACAACACTTATGTTACTCTTCCTTTAGCCATC[G>A]AGCCAGTGACAGAAGCCCTCAGTGATTGTTCTGGGGGACCCAGAAGTCACAAGAATGGAA-3'

ClinVar aggregate classification (germline): Benign (1 of 4 stars; one submission).

Allele frequency attached by ClinVar (database versions not stated): 1000 Genomes Project 0.29792; 1000 Genomes Project 30x 0.29856; TOPMed 0.36707; gnomAD 0.37255 and 0.37672.
gnomAD v4.1: 56,770 of 152,112 alleles (37%); highest among the groups gnomAD compares: Non-Finnish European, 47%; 11,304 homozygotes.

Submissions (2):

GeneDx
Classification: Benign. Last evaluated: 2018-06-18. Review status: criteria provided, single submitter. Criteria: GeneDx Variant Classification (06012015). Collection method: clinical testing. Allele origin: germline. Affected: yes.
Comment: This variant is considered likely benign or benign based on one or more of the following criteria: it is a conservative change, it occurs at a poorly conserved position in the protein, it is predicted to be benign by multiple in silico algorithms, and/or has population frequency not consistent with disease.

Dr. Peter K. Rogan Lab, Western University
No classification provided (evidence only). Condition: Familial cancer of breast. Review status: no classification provided. Collection method: in vitro. Allele origin: not applicable. Functional consequence: retained intron. Not counted in ClinVar's aggregate classification.